The following is an entry in ClinVar:

ClinVar aggregate classification (germline): Uncertain significance. Review status: criteria provided, single submitter (1 of 4 stars). 2 submissions from 2 submitters: Uncertain significance (1). 1 of the submissions does not count toward it. Last evaluated 2021-10-21.

Conditions:
Anauxetic dysplasia. Identifiers: Orphanet 93347, MedGen C1846796, MONDO:0011773.
Metaphyseal chondrodysplasia, McKusick type (CHH). Also called: Cartilage-hair hypoplasia; Cartilage-Hair Hypoplasia (CHH). Identifiers: Orphanet 175, MedGen C0220748, MONDO:0009595, OMIM 250250.

Allele frequency attached by ClinVar (database versions not stated): TOPMed 0.00001.

Submissions (2):

Labcorp Genetics (formerly Invitae), Labcorp
Classification: Uncertain significance for Anauxetic dysplasia. Last evaluated: 2021-10-21. Review status: criteria provided, single submitter. Criteria: Invitae Variant Classification Sherloc (09022015). Collection method: clinical testing. Allele origin: germline.
Comment: This variant occurs in the RMRP gene, which encodes an RNA molecule that does not result in a protein product. The frequency data for this variant in the population databases is considered unreliable, as metrics indicate insufficient coverage at this position in the ExAC database. This variant has not been reported in the literature in individuals with RMRP-related disease. ClinVar contains an entry for this variant (Variation ID: 533770). Experimental studies and prediction algorithms are not available for this variant, and the functional significance of this non-coding change is currently unknown. In summary, the available evidence is currently insufficient to determine the role of this variant in disease. Therefore, it has been classified as a Variant of Uncertain Significance.

Natera, Inc.
Classification: Uncertain significance for Cartilage-hair hypoplasia. Last evaluated: 2021-03-24. Review status: no assertion criteria provided. Collection method: clinical testing. Allele origin: germline. Not counted in ClinVar's aggregate classification.

NC_000009.12:g.35658020C>T

Gene: RMRP (RNA component of mitochondrial RNA processing endoribonuclease; minus strand). Cytogenetic location: 9p13.3.
Variant type: single nucleotide variant.
Genome position: GRCh38 VCF-style: chr9-35658020-C-T. GRCh37 (hg19) VCF-style: chr9-35658017-C-T.
Identifiers: ClinVar variation 533770 (VCV000533770.6), dbSNP rs958637129, ClinGen allele CA192745742.
Genomic context (GRCh38, chr9:35,658,020, plus strand): 5'-AAAGGGGAGGAACAGAGTCCTCAGTGTGTAGCCTAGGATACAGGCCTTCAGCACGAACCA[C>T]GTCCTCAGCTTCACAGAGTAGTATTTTATAGCCCTAAAGAAATTGTGTTTTATGATTAGG-3'